The following is an entry in ClinVar:

NM_012205.3(HAAO):c.630+2T>A

Gene: HAAO (3-hydroxyanthranilate 3,4-dioxygenase; minus strand). Cytogenetic location: 2p21.
Variant type: single nucleotide variant.
Coding change: c.630+2T>A on transcript NM_012205.3 (MANE Select); the canonical splice donor site of the intron after coding-DNA position 630, T replaced by A.
Molecular consequence: splice donor variant.
Genome position (GRCh38, 1-based): chr2:42,769,711, A>T on the plus strand (T>A on the coding strand, the complement: HAAO is on the minus strand). VCF-style: chr2-42769711-A-T. GRCh37 (hg19) VCF-style: chr2-42996851-A-T.
Identifiers: ClinVar variation 4854925 (VCV004854925.1).
Genomic context (GRCh38, chr2:42,769,711, plus strand): 5'-CTGGTTCCCATTTTCCAGGGCTGCTGTGGGAGGATGCCCCGGATGCCCCAGGACTACATT[A>T]CCTGGGTCTCATAGGTGTCCCCAAACAGGCTGAGTGGTGTGCCTGCCTGCAGCTCCCTGT-3'

ClinVar aggregate classification (germline): Likely pathogenic (1 of 4 stars; one submission).

Conditions:
Vertebral, cardiac, renal, and limb defects syndrome 1. Also called: CONGENITAL NAD DEFICIENCY DISORDER 1; 3-HYDROXYANTHRANILIC ACIDEMIA. Identifiers: MedGen C4540004, MONDO:0060554, OMIM 617660.

Submission:

3billion
Classification: Likely pathogenic for Vertebral, cardiac, renal, and limb defects syndrome 1. Last evaluated: 2025-11-27. Review status: criteria provided, single submitter. Criteria: ACMG Guidelines, 2015. Collection method: clinical testing. Allele origin: germline. Affected: yes.
Comment: The variant is not observed in the gnomAD v4.1.0 dataset. Predicted Consequence/Location: Canonical splice site: predicted to alter splicing and result in a loss or disruption of normal protein function. Multiple pathogenic loss-of-function variants are reported downstream of the variant. In silico tools predict the variant to alter splicing and produce an abnormal transcript [SpliceAI: 0.90 (spliceogenicity >=0.2, non-spliceogenicity <0.1)]. Therefore, this variant is classified as Likely pathogenic according to the recommendation of ACMG/AMP guideline.